The following is an entry in ClinVar:

NM_000391.4(TPP1):c.*71G>A

Gene: TPP1 (tripeptidyl peptidase 1; minus strand). Cytogenetic location: 11p15.4.
Variant type: single nucleotide variant.
Coding change: c.*71G>A on transcript NM_000391.4 (MANE Select); 71 bases downstream of the stop codon, G replaced by A.
Molecular consequence: 3 prime UTR variant.
Genome position (GRCh38, 1-based): chr11:6,614,475, C>T on the plus strand (G>A on the coding strand, the complement: TPP1 is on the minus strand). VCF-style: chr11-6614475-C-T. GRCh37 (hg19) VCF-style: chr11-6635706-C-T.
Identifiers: ClinVar variation 305504 (VCV000305504.6), dbSNP rs140680586, ClinGen allele CA10635342.

ClinVar aggregate classification (germline): Benign. Review status: criteria provided, multiple submitters, no conflicts (2 of 4 stars). 2 submissions from 2 submitters: Benign (2). Last evaluated 2018-01-12.

Conditions:
Neuronal ceroid lipofuscinosis 2. Also called: TPP1-Related Neuronal Ceroid-Lipofuscinosis; JANSKY-BIELSCHOWSKY DISEASE NEURONAL CEROID LIPOFUSCINOSIS, LATE INFANTILE. Identifiers: Orphanet 168491, Orphanet 228349, Orphanet 79264, MedGen C1876161, MONDO:0008769, OMIM 204500.

Allele frequency attached by ClinVar (database versions not stated): gnomAD 0.01137 and 0.01221; 1000 Genomes Project 30x 0.01171; 1000 Genomes Project 0.01178; TOPMed 0.01228.
gnomAD v4.1: 3,490 of 1,605,960 alleles (0.22%); highest among the groups gnomAD compares: African/African-American, 3.8%; 55 homozygotes.

Submissions (2):

Illumina Laboratory Services, Illumina
Classification: Benign for Neuronal ceroid lipofuscinosis 2. Last evaluated: 2018-01-12. Review status: criteria provided, single submitter. Criteria: ICSL Variant Classification Criteria 13 December 2019. Collection method: clinical testing. Allele origin: germline.
Comment: This variant was observed in the ICSL laboratory as part of a predisposition screen in an ostensibly healthy population. It had not been previously curated by ICSL or reported in the Human Gene Mutation Database (HGMD: prior to June 1st, 2018), and was therefore a candidate for classification through an automated scoring system. Utilizing variant allele frequency, disease prevalence and penetrance estimates, and inheritance mode, an automated score was calculated to assess if this variant is too frequent to cause the disease. Based on the score and internal cut-off values, a variant classified as benign is not then subjected to further curation. The score for this variant resulted in a classification of benign for this disease.

Breakthrough Genomics
Classification: Benign. Review status: criteria provided, single submitter. Criteria: ACMG Guidelines, 2015. Collection method: not provided. Allele origin: germline. Inheritance: Autosomal recessive inheritance. Affected: yes.